The following is an entry in ClinVar:

ClinVar aggregate classification (germline): Conflicting classifications of pathogenicity. Review status: criteria provided, conflicting classifications (1 of 4 stars). 13 submissions from 9 submitters: Uncertain significance (11); Likely benign (1). 1 of the submissions does not count toward it. Last evaluated 2026-09-16.

Conditions:
Inborn genetic diseases. Identifiers: MedGen C0950123, MeSH D030342.
CEP290-related disorder. Also called: CEP290-related condition; CEP290-related disorders. Identifiers: MedGen CN239314.
Joubert syndrome 5 (JBTS5). Identifiers: Orphanet 2318, MedGen C1857780, MONDO:0012432, OMIM 610188.
Leber congenital amaurosis 10 (LCA10). Identifiers: Orphanet 65, MedGen C1857821, MONDO:0012723, OMIM 611755.
Senior-Loken syndrome 6 (SLSN6). Identifiers: Orphanet 3156, MedGen C1857779, MONDO:0012433, OMIM 610189.
Bardet-Biedl syndrome 14 (BBS14). Identifiers: Orphanet 110, MedGen C2673874, MONDO:0014442, OMIM 615991.
Meckel syndrome, type 4 (MKS4). Also called: MECKEL-GRUBER SYNDROME, TYPE 4. Identifiers: Orphanet 564, MedGen C1970161, MONDO:0012626, OMIM 611134.
Nephronophthisis. Also called: Juvenile Nephronophthisis. Identifiers: Orphanet 655, MedGen C0687120, MONDO:0019005, HP:0000090.
Joubert syndrome. Also called: JOUBERT-BOLTSHAUSER SYNDROME; Familial aplasia of the vermis. Identifiers: Orphanet 475, MedGen C5979921, MONDO:0018772.
Meckel-Gruber syndrome. Also called: Dysencephalia splachnocystica; DYSENCEPHALIA SPLANCHNOCYSTICA; GRUBER SYNDROME. Identifiers: Orphanet 564, MedGen C0265215, MONDO:0018921.
Leber congenital amaurosis (LCA). Also called: Leber's amaurosis. Identifiers: Orphanet 65, MedGen C0339527, MeSH D057130, MONDO:0018998.

Allele frequency attached by ClinVar (database versions not stated): gnomAD 0.00030 and 0.00027; ESP Exome Variant Server 0.00017; gnomAD exomes 0.00012; ExAC 0.00021; TOPMed 0.00031.
gnomAD v4.1: 110 of 1,600,878 alleles (0.0069%); highest among the groups gnomAD compares: African/African-American, 0.08%; no homozygotes.

Submissions (13):

PreventionGenetics, part of Exact Sciences
Classification: Uncertain significance for CEP290-related condition. Last evaluated: 2026-09-16. Review status: criteria provided, single submitter. Criteria: ACMG Guidelines, 2015. Collection method: clinical testing. Allele origin: germline.
Comment: The CEP290 c.4250A>G variant is predicted to result in the amino acid substitution p.Gln1417Arg. To our knowledge, this variant has not been reported in the literature. This variant is reported in 0.091% of alleles in individuals of African descent in gnomAD, which may be too common to be a primary cause of disease. Although we suspect that this variant may be benign, the clinical significance of this variant is uncertain at this time due to the absence of conclusive functional and genetic evidence.

Ambry Genetics
Classification: Uncertain significance for Inborn genetic diseases. Last evaluated: 2026-08-31. Review status: criteria provided, single submitter. Criteria: Ambry Variant Classification Scheme 2023. Collection method: clinical testing. Allele origin: germline.
Comment: The c.4250A>G (p.Q1417R) alteration is located in exon 33 (coding exon 32) of the CEP290 gene. This alteration results from a A to G substitution at nucleotide position 4250, causing the glutamine (Q) at amino acid position 1417 to be replaced by an arginine (R). Based on data from gnomAD, the G allele has an overall frequency of 0.015% (38/261726) total alleles studied. The highest observed frequency was 0.091% (21/23076) of African alleles. This amino acid position is well conserved in available vertebrate species. The in silico prediction for this alteration is inconclusive. Based on insufficient or conflicting evidence, the clinical significance of this alteration remains unclear.

Labcorp Genetics (formerly Invitae), Labcorp
Classification: Likely benign for Joubert syndrome; Meckel-Gruber syndrome; Nephronophthisis. Last evaluated: 2025-12-19. Review status: criteria provided, single submitter. Criteria: Invitae Variant Classification Sherloc (09022015). Collection method: clinical testing. Allele origin: germline.

Blueprint Genetics
Classification: Uncertain significance. Last evaluated: 2024-07-23. Review status: criteria provided, single submitter. Criteria: ACMG Guidelines, 2015. Collection method: clinical testing. Allele origin: germline.

GeneDx
Classification: Uncertain significance. Last evaluated: 2023-12-08. Review status: criteria provided, single submitter. Criteria: GeneDx Variant Classification Process June 2021. Collection method: clinical testing. Allele origin: germline. Affected: yes.
Comment: In silico analysis supports that this missense variant does not alter protein structure/function; Has not been previously published as pathogenic or benign to our knowledge

Fulgent Genetics
Classification: Uncertain significance for Joubert syndrome 5; Senior-Loken syndrome 6; Meckel syndrome, type 4; Leber congenital amaurosis 10; Bardet-Biedl syndrome 14. Last evaluated: 2018-10-31. Review status: criteria provided, single submitter. Criteria: ACMG Guidelines, 2015. Collection method: clinical testing. Allele origin: unknown.

Illumina Laboratory Services, Illumina
Classification: Uncertain significance for Senior-Loken syndrome 6. Last evaluated: 2018-01-13. Review status: criteria provided, single submitter. Criteria: ICSL Variant Classification Criteria 13 December 2019. Collection method: clinical testing. Allele origin: germline.

Illumina Laboratory Services, Illumina
Classification: Uncertain significance for Bardet-Biedl syndrome 14. Last evaluated: 2018-01-13. Review status: criteria provided, single submitter. Criteria: ICSL Variant Classification Criteria 13 December 2019. Collection method: clinical testing. Allele origin: germline.

Illumina Laboratory Services, Illumina
Classification: Uncertain significance for Leber congenital amaurosis 10. Last evaluated: 2018-01-13. Review status: criteria provided, single submitter. Criteria: ICSL Variant Classification Criteria 13 December 2019. Collection method: clinical testing. Allele origin: germline.

Illumina Laboratory Services, Illumina
Classification: Uncertain significance for Joubert syndrome 5. Last evaluated: 2018-01-13. Review status: criteria provided, single submitter. Criteria: ICSL Variant Classification Criteria 13 December 2019. Collection method: clinical testing. Allele origin: germline.

Illumina Laboratory Services, Illumina
Classification: Uncertain significance for Meckel syndrome, type 4. Last evaluated: 2018-01-13. Review status: criteria provided, single submitter. Criteria: ICSL Variant Classification Criteria 13 December 2019. Collection method: clinical testing. Allele origin: germline.

Eurofins Ntd Llc (ga)
Classification: Uncertain significance. Last evaluated: 2014-04-25. Review status: criteria provided, single submitter. Criteria: EGL Classification Definitions 2015. Collection method: clinical testing. Allele origin: germline. Observed: 1 variant allele, 1 heterozygote.

Natera, Inc.
Classification: Uncertain significance for Leber congenital amaurosis. Last evaluated: 2020-04-17. Review status: no assertion criteria provided. Collection method: clinical testing. Allele origin: germline. Not counted in ClinVar's aggregate classification.

NM_025114.4(CEP290):c.4250A>G (p.Gln1417Arg)

Gene: CEP290 (centrosomal protein 290; minus strand). Cytogenetic location: 12q21.32.
Variant type: single nucleotide variant.
Coding change: c.4250A>G on transcript NM_025114.4 (MANE Select); coding-DNA position 4250, A replaced by G.
Protein change: p.Gln1417Arg; replaces glutamine 1417 with arginine.
Molecular consequence: missense variant.
Genome position (GRCh38, 1-based): chr12:88,086,443, T>C on the plus strand (A>G on the coding strand, the complement: CEP290 is on the minus strand). VCF-style: chr12-88086443-T-C. GRCh37 (hg19) VCF-style: chr12-88480220-T-C.
Other names: short protein forms Q1417R.
Identifiers: ClinVar variation 166835 (VCV000166835.27), dbSNP rs201504946, ClinGen allele CA233675.